The following is an entry in ClinVar:

NM_021067.5(GINS1):c.199T>G (p.Cys67Gly)

Gene: GINS1 (GINS complex subunit 1; plus strand). Cytogenetic location: 20p11.21.
Variant type: single nucleotide variant.
Coding change: c.199T>G on transcript NM_021067.5 (MANE Select); coding-DNA position 199, T replaced by G.
Protein change: p.Cys67Gly; replaces cysteine 67 with glycine.
Molecular consequence: missense variant. On other transcripts: non-coding transcript variant (1).
Genome position (GRCh38, 1-based): chr20:25,417,162, T>G. VCF-style: chr20-25417162-T-G. GRCh37 (hg19) VCF-style: chr20-25397798-T-G.
Other names: c.199T>G, p.Cys67Gly (NM_001410830.1); short protein forms C67G.
Identifiers: ClinVar variation 1718135 (VCV001718135.5), dbSNP rs759250993, ClinGen allele CA408447401.
Genomic context (GRCh38, chr20:25,417,162, plus strand): 5'-AGGAATGAAGCAAAGTCAGGTGGACGAAGTGATTTGATACCAACTATCAAATTTCGACAC[T>G]GTTCTCTGTTAAGAAATCGACGCTGCACTGTAGCATACCTGTAAGCTTCTCAGTTTTTGC-3'
Protein context (NP_066545.3, residues 57-77): DLIPTIKFRH[Cys67Gly]SLLRNRRCTV

ClinVar aggregate classification (germline): Uncertain significance (1 of 4 stars; one submission).

Submission:

Labcorp Genetics (formerly Invitae), Labcorp
Classification: Uncertain significance. Last evaluated: 2022-08-27. Review status: criteria provided, single submitter. Criteria: Invitae Variant Classification Sherloc (09022015). Collection method: clinical testing. Allele origin: germline.
Comment: In summary, the available evidence is currently insufficient to determine the role of this variant in disease. Therefore, it has been classified as a Variant of Uncertain Significance. Algorithms developed to predict the effect of missense changes on protein structure and function are either unavailable or do not agree on the potential impact of this missense change (SIFT: "Not Available"; PolyPhen-2: "Benign"; Align-GVGD: "Not Available"). This variant has not been reported in the literature in individuals affected with GINS1-related conditions. This variant is not present in population databases (gnomAD no frequency). This sequence change replaces cysteine, which is neutral and slightly polar, with glycine, which is neutral and non-polar, at codon 67 of the GINS1 protein (p.Cys67Gly).